The following is an entry in ClinVar:

NM_177438.3(DICER1):c.2345C>G (p.Pro782Arg)

Gene: DICER1 (dicer 1, ribonuclease III; minus strand). Cytogenetic location: 14q32.13.
Variant type: single nucleotide variant.
Coding change: c.2345C>G on transcript NM_177438.3 (MANE Select); coding-DNA position 2345, C replaced by G.
Protein change: p.Pro782Arg; replaces proline 782 with arginine.
Molecular consequence: missense variant. On other transcripts: non-coding transcript variant (6).
Genome position (GRCh38, 1-based): chr14:95,108,415, G>C on the plus strand (C>G on the coding strand, the complement: DICER1 is on the minus strand). VCF-style: chr14-95108415-G-C. GRCh37 (hg19) VCF-style: chr14-95574752-G-C.
Other names: c.2345C>G, p.Pro782Arg (NM_001195573.1, NM_001271282.3, NM_001291628.2 and 12 more transcripts); c.1940C>G, p.Pro647Arg (NM_001395688.1, NM_001395689.1, NM_001395690.1 and 2 more transcripts); c.1778C>G, p.Pro593Arg (NM_001395691.1); c.2063C>G, p.Pro688Arg (NM_001395686.1); c.662C>G, p.Pro221Arg (NM_001395697.1); short protein forms P593R, P647R, P221R, P688R, P782R.
Identifiers: ClinVar variation 3720197 (VCV003720197.2).
Genomic context (GRCh38, chr14:95,108,415, plus strand): 5'-AAGCATCTTGTGGTATCTTCAGGAGGATAGAGCTTCCGCCTTCTAAAGTTGAGTTCATCA[G>C]GTAAAGGTGTAGTTAAAACCATTCCTATCACATACAGGTAACAGGGCTGATCAGGTCTGG-3'
Protein context (NP_803187.1, residues 772-792): VIGMVLTTPL[Pro782Arg]DELNFRRRKL

ClinVar aggregate classification (germline): Uncertain significance (1 of 4 stars; one submission).

Conditions:
DICER1-related tumor predisposition. Also called: DICER1 syndrome; DICER1-related pleuropulmonary blastoma cancer predisposition syndrome. Identifiers: Orphanet 284343, MedGen C3839822, MONDO:0100216.

Submission:

Labcorp Genetics (formerly Invitae), Labcorp
Classification: Uncertain significance for DICER1-related tumor predisposition. Last evaluated: 2024-10-02. Review status: criteria provided, single submitter. Criteria: Invitae Variant Classification Sherloc (09022015). Collection method: clinical testing. Allele origin: germline.
Comment: This sequence change replaces proline, which is neutral and non-polar, with arginine, which is basic and polar, at codon 782 of the DICER1 protein (p.Pro782Arg). This variant is not present in population databases (gnomAD no frequency). This variant has not been reported in the literature in individuals affected with DICER1-related conditions. Invitae Evidence Modeling of protein sequence and biophysical properties (such as structural, functional, and spatial information, amino acid conservation, physicochemical variation, residue mobility, and thermodynamic stability) indicates that this missense variant is not expected to disrupt DICER1 protein function with a negative predictive value of 80%. In summary, the available evidence is currently insufficient to determine the role of this variant in disease. Therefore, it has been classified as a Variant of Uncertain Significance.